The following is an entry in ClinVar:

NM_000138.5(FBN1):c.4361A>G (p.Asn1454Ser)

Gene: FBN1 (fibrillin 1; minus strand). Cytogenetic location: 15q21.1.
Variant type: single nucleotide variant.
Coding change: c.4361A>G on transcript NM_000138.5 (MANE Select); coding-DNA position 4361, A replaced by G.
Protein change: p.Asn1454Ser; replaces asparagine 1454 with serine.
Molecular consequence: missense variant.
Genome position (GRCh38, 1-based): chr15:48,470,732, T>C on the plus strand (A>G on the coding strand, the complement: FBN1 is on the minus strand). VCF-style: chr15-48470732-T-C. GRCh37 (hg19) VCF-style: chr15-48762929-T-C.
Other names: short protein forms N1454S.
Identifiers: ClinVar variation 918869 (VCV000918869.5), dbSNP rs1555397415, ClinGen allele CA392354726.

ClinVar aggregate classification (germline): Uncertain significance. Review status: criteria provided, multiple submitters, no conflicts (2 of 4 stars). 2 submissions from 2 submitters: Uncertain significance (2). Last evaluated 2024-06-11.

Conditions:
Familial thoracic aortic aneurysm and aortic dissection (TAAD). Also called: Thoracic aortic aneurysms and dissections. Identifiers: Orphanet 91387, MedGen C4707243, MONDO:0019625.
Marfan syndrome (MFS). Also called: Marfan syndrome, classic; Marfan syndrome type 1; Marfan's syndrome; FBN1-Related Marfan Syndrome; MARFAN SYNDROME, TYPE I. Identifiers: Orphanet 284963, Orphanet 558, MedGen C0024796, MONDO:0007947, OMIM 154700.

Allele frequency attached by ClinVar (database versions not stated): gnomAD exomes below 0.00001.
gnomAD v4.1: 2 of 1,613,900 alleles (0.00012%); highest among the groups gnomAD compares: African/African-American, 0.0013%; no homozygotes.

Submissions (2):

All of Us Research Program, National Institutes of Health
Classification: Uncertain significance for Marfan syndrome. Last evaluated: 2024-06-11. Review status: criteria provided, single submitter. Criteria: ACMG Guidelines, 2015. Collection method: clinical testing. Allele origin: germline. Inheritance: Autosomal dominant inheritance. Observed: 2 variant alleles, 2 heterozygotes.
Comment: This missense variant replaces asparagine with serine at codon 1454 of the FBN1 protein. Computational prediction tool suggests that this variant may not impact protein structure and function (internally defined REVEL score threshold <=0.5, PMID: 27666373). Splice site prediction tools suggest that this variant may not impact RNA splicing. To our knowledge, functional studies have not been performed for this variant. This variant has not been reported in individuals affected with cardiovascular disorders in the literature. This variant has not been identified in the general population by the Genome Aggregation Database (gnomAD). The available evidence is insufficient to determine the role of this variant in disease conclusively. Therefore, this variant is classified as a Variant of Uncertain Significance.

This study involves interpretation of variants in research participants for the purpose of population health screening. Participant phenotype was not available at the time of variant classification. Additional details can be found in publication PMID: 35346344, PMCID: PMC8962531

Color Diagnostics, LLC DBA Color Health
Classification: Uncertain significance for Familial thoracic aortic aneurysm and aortic dissection. Last evaluated: 2024-03-06. Review status: criteria provided, single submitter. Criteria: ACMG Guidelines, 2015. Collection method: clinical testing. Allele origin: germline.
Comment: This missense variant replaces asparagine with serine at codon 1454 of the FBN1 protein. Computational prediction tool suggests that this variant may not impact protein structure and function (internally defined REVEL score threshold <=0.5, PMID: 27666373). Splice site prediction tools suggest that this variant may not impact RNA splicing. To our knowledge, functional studies have not been performed for this variant. This variant has not been reported in individuals affected with cardiovascular disorders in the literature. This variant has not been identified in the general population by the Genome Aggregation Database (gnomAD). The available evidence is insufficient to determine the role of this variant in disease conclusively. Therefore, this variant is classified as a Variant of Uncertain Significance.